The following is an entry in ClinVar:

NM_006206.6(PDGFRA):c.1459C>T (p.Arg487Cys)

Gene: PDGFRA (platelet derived growth factor receptor alpha; plus strand). Cytogenetic location: 4q12.
Variant type: single nucleotide variant.
Coding change: c.1459C>T on transcript NM_006206.6 (MANE Select); coding-DNA position 1459, C replaced by T.
Protein change: p.Arg487Cys; replaces arginine 487 with cysteine.
Molecular consequence: missense variant.
Genome position (GRCh38, 1-based): chr4:54,273,631, C>T. VCF-style: chr4-54273631-C-T. GRCh37 (hg19) VCF-style: chr4-55139798-C-T.
Other names: c.1459C>T, p.Arg487Cys (NM_001347827.2, NM_001347829.2); c.1534C>T, p.Arg512Cys (NM_001347828.2); c.1498C>T, p.Arg500Cys (NM_001347830.2); short protein forms R487C, R512C, R500C.
Identifiers: ClinVar variation 407406 (VCV000407406.15), dbSNP rs763237825, ClinGen allele CA2922574.

ClinVar aggregate classification (germline): Uncertain significance. Review status: criteria provided, multiple submitters, no conflicts (2 of 4 stars). 4 submissions from 4 submitters: Uncertain significance (4). Last evaluated 2025-12-13.

Conditions:
Hereditary cancer-predisposing syndrome. Also called: Neoplastic Syndromes, Hereditary; Hereditary Cancer Syndrome; Hereditary neoplastic syndrome; Tumor predisposition. Identifiers: Orphanet 140162, MedGen C0027672, MeSH D009386, MONDO:0015356.
Polyps, multiple and recurrent inflammatory fibroid, gastrointestinal. Identifiers: MedGen C5193005, MONDO:0008285, OMIM 175510.
Gastrointestinal stromal tumor. Also called: Gastrointestinal stromal tumor, somatic; Gastrointestinal stroma tumor. Identifiers: Orphanet 44890, MedGen C0238198, MeSH D046152, MONDO:0011719, OMIM 606764, HP:0100723.

Allele frequency attached by ClinVar (database versions not stated): ExAC 0.00001; gnomAD exomes 0.00001.
gnomAD v4.1: 12 of 1,613,886 alleles (0.00074%); highest among the groups gnomAD compares: East Asian, 0.0045%; no homozygotes.

Submissions (4):

Ambry Genetics
Classification: Uncertain significance for Hereditary cancer-predisposing syndrome. Last evaluated: 2025-12-13. Review status: criteria provided, single submitter. Criteria: Ambry Variant Classification Scheme 2023. Collection method: clinical testing. Allele origin: germline.
Comment: The p.R487C variant (also known as c.1459C>T), located in coding exon 9 of the PDGFRA gene, results from a C to T substitution at nucleotide position 1459. The arginine at codon 487 is replaced by cysteine, an amino acid with highly dissimilar properties. This amino acid position is not well conserved in available vertebrate species. In addition, this alteration is predicted to be tolerated by in silico analysis. Since supporting evidence is limited at this time, the clinical significance of this alteration remains unclear.

Labcorp Genetics (formerly Invitae), Labcorp
Classification: Uncertain significance for Gastrointestinal stromal tumor. Last evaluated: 2025-08-13. Review status: criteria provided, single submitter. Criteria: Invitae Variant Classification Sherloc (09022015). Collection method: clinical testing. Allele origin: germline.
Comment: This sequence change replaces arginine, which is basic and polar, with cysteine, which is neutral and slightly polar, at codon 487 of the PDGFRA protein (p.Arg487Cys). This variant is present in population databases (rs763237825, gnomAD 0.003%). This variant has not been reported in the literature in individuals affected with PDGFRA-related conditions. ClinVar contains an entry for this variant (Variation ID: 407406). Invitae Evidence Modeling of protein sequence and biophysical properties (such as structural, functional, and spatial information, amino acid conservation, physicochemical variation, residue mobility, and thermodynamic stability) has been performed for this missense variant. However, the output from this modeling did not meet the statistical confidence thresholds required to predict the impact of this variant on PDGFRA protein function. In summary, the available evidence is currently insufficient to determine the role of this variant in disease. Therefore, it has been classified as a Variant of Uncertain Significance.

Baylor Genetics
Classification: Uncertain significance for Polyps, multiple and recurrent inflammatory fibroid, gastrointestinal. Last evaluated: 2024-03-21. Review status: criteria provided, single submitter. Criteria: ACMG Guidelines, 2015. Collection method: clinical testing. Allele origin: unknown.

Sema4
Classification: Uncertain significance for Hereditary cancer-predisposing syndrome. Last evaluated: 2022-02-05. Review status: criteria provided, single submitter. Criteria: Sema4 Curation Guidelines. Collection method: curation. Allele origin: germline.
Comment: The PDGFRA c.1459C>T (p.R487C) variant has not been reported in individuals with PDGFRA-related disease. It was observed in 2/251136 chromosomes in the large and broad cohorts of the Genome Aggregation Database (PMID: 32461654). This variant has been reported in ClinVar (Variation ID 407406). Functional studies have not been performed, and in silico predictions of the variant's effect on protein function are inconclusive. The evidence is insufficient to meet ACMG/AMP criteria for classifying the variant as benign or pathogenic. Thus, the clinical significance of this variant is currently uncertain.